The following is an entry in ClinVar:

NM_000038.6(APC):c.5741C>T (p.Ala1914Val)

Gene: APC (APC regulator of Wnt signaling pathway; plus strand). Cytogenetic location: 5q22.2.
Variant type: single nucleotide variant.
Coding change: c.5741C>T on transcript NM_000038.6 (MANE Select); coding-DNA position 5741, C replaced by T.
Protein change: p.Ala1914Val; replaces alanine 1914 with valine.
Molecular consequence: missense variant.
Genome position (GRCh38, 1-based): chr5:112,841,335, C>T. VCF-style: chr5-112841335-C-T. GRCh37 (hg19) VCF-style: chr5-112177032-C-T.
Other names: c.5741C>T (NM_000038.5); c.5741C>T, p.Ala1914Val (NM_001127510.3, NM_001354895.2); c.5687C>T, p.Ala1896Val (NM_001127511.3); c.5795C>T, p.Ala1932Val (NM_001354896.2); c.5771C>T, p.Ala1924Val (NM_001354897.2); c.5666C>T, p.Ala1889Val (NM_001354898.2); c.5657C>T, p.Ala1886Val (NM_001354899.2); c.5618C>T, p.Ala1873Val (NM_001354900.2); and 6 more; short protein forms A1914V, A1896V, A1823V, A1855V, A1631V, A1813V, A1873V, A1886V.
Identifiers: ClinVar variation 584677 (VCV000584677.7), dbSNP rs199904481, ClinGen allele CA16033900.

ClinVar aggregate classification (germline): Uncertain significance. Review status: criteria provided, multiple submitters, no conflicts (2 of 4 stars). 4 submissions from 4 submitters: Uncertain significance (4). Last evaluated 2024-08-18.

Conditions:
Familial adenomatous polyposis 1 (FAP1). Also called: FAMILIAL ADENOMATOUS POLYPOSIS 1, ATTENUATED; POLYPOSIS, ADENOMATOUS INTESTINAL. Identifiers: MedGen C2713442, MONDO:0021056, OMIM 175100. Disease mechanism: loss of function.
Hereditary cancer-predisposing syndrome. Also called: Neoplastic Syndromes, Hereditary; Hereditary Cancer Syndrome; Tumor predisposition; Hereditary neoplastic syndrome. Identifiers: Orphanet 140162, MedGen C0027672, MeSH D009386, MONDO:0015356.

Submissions (4):

Ambry Genetics
Classification: Uncertain significance for Hereditary cancer-predisposing syndrome. Last evaluated: 2024-08-18. Review status: criteria provided, single submitter. Criteria: Ambry Variant Classification Scheme 2023. Collection method: clinical testing. Allele origin: germline.
Comment: The p.A1914V variant (also known as c.5741C>T), located in coding exon 15 of the APC gene, results from a C to T substitution at nucleotide position 5741. The alanine at codon 1914 is replaced by valine, an amino acid with similar properties. This amino acid position is conserved. In addition, in silico predictors for this gene do not accurately predict pathogenicity. Based on the available evidence, the clinical significance of this variant remains unclear.

Labcorp Genetics (formerly Invitae), Labcorp
Classification: Uncertain significance for Familial adenomatous polyposis 1. Last evaluated: 2023-07-26. Review status: criteria provided, single submitter. Criteria: Invitae Variant Classification Sherloc (09022015). Collection method: clinical testing. Allele origin: germline.
Comment: In summary, the available evidence is currently insufficient to determine the role of this variant in disease. Therefore, it has been classified as a Variant of Uncertain Significance. Advanced modeling of protein sequence and biophysical properties (such as structural, functional, and spatial information, amino acid conservation, physicochemical variation, residue mobility, and thermodynamic stability) performed at Invitae indicates that this missense variant is not expected to disrupt APC protein function. ClinVar contains an entry for this variant (Variation ID: 584677). This variant has not been reported in the literature in individuals affected with APC-related conditions. This sequence change replaces alanine, which is neutral and non-polar, with valine, which is neutral and non-polar, at codon 1914 of the APC protein (p.Ala1914Val). This variant is not present in population databases (gnomAD no frequency).

Sema4
Classification: Uncertain significance for Hereditary cancer-predisposing syndrome. Last evaluated: 2022-02-17. Review status: criteria provided, single submitter. Criteria: Sema4 Curation Guidelines. Collection method: curation. Allele origin: germline.
Comment: The APC c.5741C>T (p.A1914V) variant has not been reported in the literature to our knowledge. It was not observed in the large and broad cohorts of the Genome Aggregation Database (PMID: 32461654). The variant has been reported in ClinVar (Variation ID 584677). Functional studies have not been performed, and in silico predictions of the variant's effect on protein function are inconclusive. The evidence is insufficient to meet ACMG/AMP criteria for classifying the variant as benign or pathogenic. Thus, the clinical significance of this variant is currently uncertain.

Mendelics
Classification: Uncertain significance for Familial adenomatous polyposis 1. Last evaluated: 2018-07-02. Review status: criteria provided, single submitter. Criteria: Mendelics Assertion Criteria 2017. Collection method: clinical testing. Allele origin: unknown.